The following is an entry in ClinVar:

NM_000306.4(POU1F1):c.142+2T>C

Gene: POU1F1 (POU class 1 homeobox 1; minus strand). Cytogenetic location: 3p11.2.
Variant type: single nucleotide variant.
Coding change: c.142+2T>C on transcript NM_000306.4 (MANE Select); the canonical splice donor site of the intron after coding-DNA position 142, T replaced by C.
Molecular consequence: splice donor variant.
Genome position (GRCh38, 1-based): chr3:87,276,319, A>G on the plus strand (T>C on the coding strand, the complement: POU1F1 is on the minus strand). VCF-style: chr3-87276319-A-G. GRCh37 (hg19) VCF-style: chr3-87325469-A-G.
Other names: c.142+2T>C (NM_001122757.3).
Identifiers: ClinVar variation 2986578 (VCV002986578.3), dbSNP rs2471807073, ClinGen allele CA353695671.

ClinVar aggregate classification (germline): Likely pathogenic (1 of 4 stars; one submission).

gnomAD v4.1: 2 of 1,613,874 alleles (0.00012%); highest among the groups gnomAD compares: Non-Finnish European, 0.00017%; no homozygotes.

Submission:

Labcorp Genetics (formerly Invitae), Labcorp
Classification: Likely pathogenic. Last evaluated: 2023-11-14. Review status: criteria provided, single submitter. Criteria: Invitae Variant Classification Sherloc (09022015). Collection method: clinical testing. Allele origin: germline.
Comment: This sequence change affects a donor splice site in intron 1 of the POU1F1 gene. It is expected to disrupt RNA splicing. Variants that disrupt the donor or acceptor splice site typically lead to a loss of protein function (PMID: 16199547), and loss-of-function variants in POU1F1 are known to be pathogenic (PMID: 1472057, 9392392, 15844473, 15928241). This variant is not present in population databases (gnomAD no frequency). This variant has not been reported in the literature in individuals affected with POU1F1-related conditions. Algorithms developed to predict the effect of sequence changes on RNA splicing suggest that this variant may disrupt the consensus splice site. In summary, the currently available evidence indicates that the variant is pathogenic, but additional data are needed to prove that conclusively. Therefore, this variant has been classified as Likely Pathogenic.

Literature cited by the submitters: PubMed 16199547; PubMed 1472057; PubMed 9392392; PubMed 15844473; PubMed 15928241.